The following is an entry in ClinVar:

NM_002222.5(ITPR1):c.*1611G>A

Gene: ITPR1 (inositol 1,4,5-trisphosphate receptor type 1; plus strand). Cytogenetic location: 3p26.1.
Variant type: single nucleotide variant.
Coding change: c.*1611G>A on transcript NM_002222.5; 1611 bases downstream of the stop codon, G replaced by A.
Genome position (GRCh38, 1-based): chr3:4,847,836, G>A. VCF-style: chr3-4847836-G-A. GRCh37 (hg19) VCF-style: chr3-4889520-G-A.
Identifiers: ClinVar variation 345939 (VCV000345939.7), dbSNP rs565800630, ClinGen allele CA10619087.

ClinVar aggregate classification (germline): Likely benign (1 of 4 stars; one submission).

Conditions:
Autosomal dominant cerebellar ataxia. Also called: Spinocerebellar Ataxia, Dominant. Identifiers: Orphanet 99, MedGen C4087347, MONDO:0020380.

Allele frequency attached by ClinVar (database versions not stated): 1000 Genomes Project 30x 0.00062; gnomAD 0.00023 and 0.00021; 1000 Genomes Project 0.00080; TOPMed 0.00024.

Submission:

Illumina Laboratory Services, Illumina
Classification: Likely benign for Spinocerebellar Ataxia, Dominant. Last evaluated: 2018-01-13. Review status: criteria provided, single submitter. Criteria: ICSL Variant Classification Criteria 13 December 2019. Collection method: clinical testing. Allele origin: germline.
Comment: This variant was observed in the ICSL laboratory as part of a predisposition screen in an ostensibly healthy population. It had not been previously curated by ICSL or reported in the Human Gene Mutation Database (HGMD: prior to June 1st, 2018), and was therefore a candidate for classification through an automated scoring system. Utilizing variant allele frequency, disease prevalence and penetrance estimates, and inheritance mode, an automated score was calculated to assess if this variant is too frequent to cause the disease. Based on the score and internal cut-off values, a variant classified as likely benign is not then subjected to further curation. The score for this variant resulted in a classification of likely benign for this disease.